The following is an entry in ClinVar:

ClinVar aggregate classification (germline): Uncertain significance (1 of 4 stars; one submission).

Conditions:
Inborn genetic diseases. Identifiers: MedGen C0950123, MeSH D030342.

Submission:

Ambry Genetics
Classification: Uncertain significance for Inborn genetic diseases. Last evaluated: 2025-07-19. Review status: criteria provided, single submitter. Criteria: Ambry Variant Classification Scheme 2023. Collection method: clinical testing. Allele origin: germline.
Comment: The p.K923N variant (also known as c.2769G>C), located in coding exon 28 of the RTEL1 gene, results from a G to C substitution at nucleotide position 2769. The lysine at codon 923 is replaced by asparagine, an amino acid with similar properties. This amino acid position is conserved. In addition, this alteration is predicted to be tolerated by in silico analysis. Based on the available evidence, the clinical significance of this variant remains unclear.

NM_001283009.2(RTEL1):c.2769G>C (p.Lys923Asn)

Genes: RTEL1 (regulator of telomere elongation helicase 1; plus strand), RTEL1-TNFRSF6B (RTEL1-TNFRSF6B readthrough (NMD candidate); plus strand). Cytogenetic location: 20q13.33.
Variant type: single nucleotide variant.
Coding change: c.2769G>C on transcript NM_001283009.2 (MANE Select); coding-DNA position 2769, G replaced by C.
Protein change: p.Lys923Asn; replaces lysine 923 with asparagine.
Molecular consequence: missense variant. On other transcripts: non-coding transcript variant (1).
Genome position (GRCh38, 1-based): chr20:63,692,921, G>C. VCF-style: chr20-63692921-G-C. GRCh37 (hg19) VCF-style: chr20-62324274-G-C.
Other names: c.2100G>C, p.Lys700Asn (NM_001283010.1); c.2769G>C, p.Lys923Asn (NM_016434.4); c.2841G>C, p.Lys947Asn (NM_032957.5); short protein forms K700N, K923N, K947N.
Identifiers: ClinVar variation 4157612 (VCV004157612.1).
Genomic context (GRCh38, chr20:63,692,921, plus strand): 5'-GAAGCAGGAGTTGAGCCAAGCCAACTTTGCCACCTTCACCCAGGCCCTGCAGGACTACAA[G>C]GGTTCCGATGACTTCGCCGCCCTGGCCGCCTGTCTCGGCCCCCTCTTTGCTGAGGACCCC-3'
Protein context (NP_001269938.1, residues 913-933): ATFTQALQDY[Lys923Asn]GSDDFAALAA